The following is an entry in ClinVar:

ClinVar aggregate classification (germline): Likely benign. Review status: criteria provided, single submitter (1 of 4 stars). 2 submissions from 2 submitters: Likely benign (1). 1 of the submissions does not count toward it. Last evaluated 2018-06-08.

Conditions:
DDHD2-related disorder. Also called: DDHD2-related condition.
Hereditary spastic paraplegia 54. Also called: Spastic paraplegia 54, autosomal recessive. Identifiers: Orphanet 320380, MedGen C3539495, MONDO:0014018, OMIM 615033.

Allele frequency attached by ClinVar (database versions not stated): gnomAD 0.00001.
gnomAD v4.1: 58 of 1,606,774 alleles (0.0036%); highest among the groups gnomAD compares: Non-Finnish European, 0.0045%; no homozygotes.

Submissions (2):

Labcorp Genetics (formerly Invitae), Labcorp
Classification: Likely benign for Hereditary spastic paraplegia 54. Last evaluated: 2018-06-08. Review status: criteria provided, single submitter. Criteria: Invitae Variant Classification Sherloc (09022015). Collection method: clinical testing. Allele origin: germline.

PreventionGenetics, part of Exact Sciences
Classification: Likely benign for DDHD2-related condition. Last evaluated: 2022-08-29. Review status: no assertion criteria provided. Collection method: clinical testing. Allele origin: germline. Not counted in ClinVar's aggregate classification.
Comment: This variant is classified as likely benign based on ACMG/AMP sequence variant interpretation guidelines (Richards et al. 2015 PMID: 25741868, with internal and published modifications).

NM_015214.3(DDHD2):c.1618-6A>T

Gene: DDHD2 (DDHD domain containing 2; plus strand). Cytogenetic location: 8p11.23.
Variant type: single nucleotide variant.
Coding change: c.1618-6A>T on transcript NM_015214.3 (MANE Select); 6 bases into the intron before coding-DNA position 1618, A replaced by T.
Molecular consequence: intron variant.
Genome position (GRCh38, 1-based): chr8:38,252,716, A>T. VCF-style: chr8-38252716-A-T. GRCh37 (hg19) VCF-style: chr8-38110234-A-T.
Other names: c.1618-6A>T (NM_001362914.2, NM_001362912.2, NM_001362911.2 and 1 more transcripts); c.1528-6A>T (NM_001362913.2).
Identifiers: ClinVar variation 540292 (VCV000540292.11), dbSNP rs745477461, ClinGen allele CA4716329.